The following is an entry in ClinVar:

ClinVar aggregate classification (germline): Uncertain significance (1 of 4 stars; one submission).

Submission:

GeneDx
Classification: Uncertain significance. Last evaluated: 2022-03-16. Review status: criteria provided, single submitter. Criteria: GeneDx Variant Classification Process June 2021. Collection method: clinical testing. Allele origin: germline. Affected: yes.
Comment: Not observed at significant frequency in large population cohorts (gnomAD); In silico analysis supports that this missense variant does not alter protein structure/function; Has not been previously published as pathogenic or benign to our knowledge

NM_005120.3(MED12):c.458T>C (p.Val153Ala)

Gene: MED12 (mediator complex subunit 12; plus strand). Cytogenetic location: Xq13.1.
Variant type: single nucleotide variant.
Coding change: c.458T>C on transcript NM_005120.3 (MANE Select); coding-DNA position 458, T replaced by C.
Protein change: p.Val153Ala; replaces valine 153 with alanine.
Molecular consequence: missense variant.
Genome position (GRCh38, 1-based): chrX:71,120,075, T>C. VCF-style: chrX-71120075-T-C. GRCh37 (hg19) VCF-style: chrX-70339925-T-C.
Other names: short protein forms V153A.
Identifiers: ClinVar variation 1706215 (VCV001706215.2), dbSNP rs2519663686, ClinGen allele CA413499963.
Genomic context (GRCh38, chrX:71,120,075, plus strand): 5'-TCCCCATTTTCAGTAAGAAGGAAGAGGTGTTTGGGTACTTAGCCAAATACACAGTGCCTG[T>C]GATGCGGGCTGCCTGGCTCATTAAGATGACCTGTGCCTACTATGCAGCAATCTCTGAGAC-3'
Protein context (NP_005111.2, residues 143-163): FGYLAKYTVP[Val153Ala]MRAAWLIKMT